The following is an entry in ClinVar:

ClinVar aggregate classification (germline): Uncertain significance (1 of 4 stars; one submission).

Conditions:
Neuromuscular disease caused by qualitative or quantitative defects of dysferlin. Also called: Dysferlinopathy; Qualitative or quantitative defects of dysferlin. Identifiers: Orphanet 207073, MedGen C2931687, MONDO:0016145.

gnomAD v4.1: 1 of 1,614,096 alleles (0.000062%); highest among the groups gnomAD compares: Non-Finnish European, 0.000085%; no homozygotes.

Submission:

Labcorp Genetics (formerly Invitae), Labcorp
Classification: Uncertain significance for Neuromuscular disease caused by qualitative or quantitative defects of dysferlin. Last evaluated: 2021-05-12. Review status: criteria provided, single submitter. Criteria: Invitae Variant Classification Sherloc (09022015). Collection method: clinical testing. Allele origin: germline.
Comment: This sequence change falls in intron 13 of the DYSF gene. It does not directly change the encoded amino acid sequence of the DYSF protein. This variant is not present in population databases (ExAC no frequency). This variant has not been reported in the literature in individuals with DYSF-related conditions. Algorithms developed to predict the effect of sequence changes on RNA splicing suggest that this variant may disrupt the consensus splice site, but this prediction has not been confirmed by published transcriptional studies. In summary, the available evidence is currently insufficient to determine the role of this variant in disease. Therefore, it has been classified as a Variant of Uncertain Significance.

NM_001130987.2(DYSF):c.1381-10T>A

Gene: DYSF (dysferlin; plus strand). Cytogenetic location: 2p13.2.
Variant type: single nucleotide variant.
Coding change: c.1381-10T>A on transcript NM_001130987.2 (MANE Select); 10 bases into the intron before coding-DNA position 1381, T replaced by A.
Molecular consequence: intron variant.
Genome position (GRCh38, 1-based): chr2:71,535,011, T>A. VCF-style: chr2-71535011-T-A. GRCh37 (hg19) VCF-style: chr2-71762141-T-A.
Other names: c.1378-10T>A (NM_001130979.2, NM_001130981.2, NM_001130980.2); c.1285-10T>A (NM_001130978.2, NM_003494.4, NM_001130977.2 and 1 more transcripts); c.1381-10T>A (NM_001130982.2, NM_001130985.2); c.1288-10T>A (NM_001130983.2, NM_001130455.2, NM_001130984.2 and 1 more transcripts).
Identifiers: ClinVar variation 1949234 (VCV001949234.2), dbSNP rs781281030, ClinGen allele CA2580067907.